The following is an entry in ClinVar:

ClinVar aggregate classification (germline): Likely benign (0 of 4 stars; one submission).

Conditions:
CACNA1B-related disorder. Also called: CACNA1B-related condition.

Allele frequency attached by ClinVar (database versions not stated): ExAC 0.05482.

Submission:

PreventionGenetics, part of Exact Sciences
Classification: Likely benign for CACNA1B-related condition. Last evaluated: 2022-02-09. Review status: no assertion criteria provided. Collection method: clinical testing. Allele origin: germline.
Comment: This variant is classified as likely benign based on ACMG/AMP sequence variant interpretation guidelines (Richards et al. 2015 PMID: 25741868, with internal and published modifications).

NM_000718.4(CACNA1B):c.284+6_284+7insAT

Genes: CACNA1B (calcium voltage-gated channel subunit alpha1 B; plus strand), CACNA1B-AS2 (CACNA1B antisense RNA 2; minus strand). Cytogenetic location: 9q34.3.
Variant type: Insertion.
Coding change: c.284+6_284+7insAT on transcript NM_000718.4 (MANE Select); bases 6 to 7 of the intron after coding-DNA position 284, AT inserted.
Molecular consequence: intron variant.
Genome position: GRCh38 VCF-style: chr9-137878223-C-CAT. GRCh37 (hg19) VCF-style: chr9-140772675-C-CAT.
Other names: c.284+6_284+7insAT (NM_001243812.2).
Identifiers: ClinVar variation 3041585 (VCV003041585.2), dbSNP rs753880000, ClinGen allele CA5375682.